The following is an entry in ClinVar:

NM_002353.3(TACSTD2):c.828C>T (p.Gly276=)

Gene: TACSTD2 (tumor associated calcium signal transducer 2; minus strand). Cytogenetic location: 1p32.1.
Variant type: single nucleotide variant.
Coding change: c.828C>T on transcript NM_002353.3 (MANE Select); coding-DNA position 828, C replaced by T.
Protein change: p.Gly276=; no amino-acid change (glycine 276 retained).
Molecular consequence: synonymous variant.
Genome position (GRCh38, 1-based): chr1:58,576,329, G>A on the plus strand (C>T on the coding strand, the complement: TACSTD2 is on the minus strand). VCF-style: chr1-58576329-G-A. GRCh37 (hg19) VCF-style: chr1-59042001-G-A.
Identifiers: ClinVar variation 297765 (VCV000297765.10), dbSNP rs12121124, ClinGen allele CA877322.

ClinVar aggregate classification (germline): Benign. Review status: criteria provided, multiple submitters, no conflicts (2 of 4 stars). 3 submissions from 3 submitters: Benign (3). Last evaluated 2026-01-26.

Conditions:
Gelatinous droplike corneal dystrophy (GDLD). Also called: AMYLOID CORNEAL DYSTROPHY, JAPANESE TYPE. Identifiers: Orphanet 98957, MedGen C0339273, MONDO:0008777, OMIM 204870.

Allele frequency attached by ClinVar (database versions not stated): 1000 Genomes Project 0.02017; 1000 Genomes Project 30x 0.02139; gnomAD 0.03611 and 0.03674; TOPMed 0.03744; gnomAD exomes 0.03984 and 0.05031; ESP Exome Variant Server 0.04122; ExAC 0.04246.
gnomAD v4.1: 78,770 of 1,613,026 alleles (4.9%); highest among the groups gnomAD compares: Non-Finnish European, 5.7%; 2,160 homozygotes.

Submissions (3):

Labcorp Genetics (formerly Invitae), Labcorp
Classification: Benign. Last evaluated: 2026-01-26. Review status: criteria provided, single submitter. Criteria: Invitae Variant Classification Sherloc (09022015). Collection method: clinical testing. Allele origin: germline.

Illumina Laboratory Services, Illumina
Classification: Benign for Gelatinous droplike corneal dystrophy. Last evaluated: 2018-01-13. Review status: criteria provided, single submitter. Criteria: ICSL Variant Classification Criteria 13 December 2019. Collection method: clinical testing. Allele origin: germline.
Comment: This variant was observed in the ICSL laboratory as part of a predisposition screen in an ostensibly healthy population. It had not been previously curated by ICSL or reported in the Human Gene Mutation Database (HGMD: prior to June 1st, 2018), and was therefore a candidate for classification through an automated scoring system. Utilizing variant allele frequency, disease prevalence and penetrance estimates, and inheritance mode, an automated score was calculated to assess if this variant is too frequent to cause the disease. Based on the score and internal cut-off values, a variant classified as benign is not then subjected to further curation. The score for this variant resulted in a classification of benign for this disease.

Breakthrough Genomics
Classification: Benign. Review status: criteria provided, single submitter. Criteria: ACMG Guidelines, 2015. Collection method: not provided. Allele origin: germline. Inheritance: Autosomal recessive inheritance. Affected: yes.